The following is an entry in ClinVar:

NM_005585.5(SMAD6):c.302G>T (p.Gly101Val)

Gene: SMAD6 (SMAD family member 6; plus strand). Cytogenetic location: 15q22.31.
Variant type: single nucleotide variant.
Coding change: c.302G>T on transcript NM_005585.5 (MANE Select); coding-DNA position 302, G replaced by T.
Protein change: p.Gly101Val; replaces glycine 101 with valine.
Molecular consequence: missense variant. On other transcripts: non-coding transcript variant (1).
Genome position (GRCh38, 1-based): chr15:66,703,560, G>T. VCF-style: chr15-66703560-G-T. GRCh37 (hg19) VCF-style: chr15-66995898-G-T.
Other names: short protein forms G101V.
Identifiers: ClinVar variation 2764568 (VCV002764568.3), dbSNP rs2545311298, ClinGen allele CA392949229.

ClinVar aggregate classification (germline): Uncertain significance (1 of 4 stars; one submission).

Conditions:
Aortic valve disease 2 (AOVD2). Identifiers: MedGen C3542024, MONDO:0013902, OMIM 614823.

Submission:

Labcorp Genetics (formerly Invitae), Labcorp
Classification: Uncertain significance for Aortic valve disease 2. Last evaluated: 2025-09-08. Review status: criteria provided, single submitter. Criteria: Invitae Variant Classification Sherloc (09022015). Collection method: clinical testing. Allele origin: germline.
Comment: This sequence change replaces glycine, which is neutral and non-polar, with valine, which is neutral and non-polar, at codon 101 of the SMAD6 protein (p.Gly101Val). This variant is not present in population databases (gnomAD no frequency). This variant has not been reported in the literature in individuals affected with SMAD6-related conditions. ClinVar contains an entry for this variant (Variation ID: 2764568). An algorithm developed to predict the effect of missense changes on protein structure and function (PolyPhen-2) suggests that this variant is likely to be disruptive. In summary, the available evidence is currently insufficient to determine the role of this variant in disease. Therefore, it has been classified as a Variant of Uncertain Significance.